The following is an entry in ClinVar:

NM_002768.5(CHMP1A):c.191G>A (p.Arg64Gln)

Gene: CHMP1A (charged multivesicular body protein 1A; minus strand). Cytogenetic location: 16q24.3.
Variant type: single nucleotide variant.
Coding change: c.191G>A on transcript NM_002768.5 (MANE Select); coding-DNA position 191, G replaced by A.
Protein change: p.Arg64Gln; replaces arginine 64 with glutamine.
Molecular consequence: missense variant. On other transcripts: synonymous variant (1), non-coding transcript variant (1).
Genome position (GRCh38, 1-based): chr16:89,649,412, C>T on the plus strand (G>A on the coding strand, the complement: CHMP1A is on the minus strand). VCF-style: chr16-89649412-C-T. GRCh37 (hg19) VCF-style: chr16-89715820-C-T.
Other names: c.171G>A, p.Ser57= (NM_001083314.4); short protein forms R64Q.
Identifiers: ClinVar variation 2988885 (VCV002988885.3), dbSNP rs761001445, ClinGen allele CA8247118.

ClinVar aggregate classification (germline): Uncertain significance (1 of 4 stars; one submission).

Allele frequency attached by ClinVar (database versions not stated): ExAC 0.00001; gnomAD 0.00001; gnomAD exomes 0.00001.
gnomAD v4.1: 11 of 1,613,642 alleles (0.00068%); highest among the groups gnomAD compares: African/African-American, 0.0013%; no homozygotes.

Submission:

Labcorp Genetics (formerly Invitae), Labcorp
Classification: Uncertain significance. Last evaluated: 2025-01-20. Review status: criteria provided, single submitter. Criteria: Invitae Variant Classification Sherloc (09022015). Collection method: clinical testing. Allele origin: germline.
Comment: This sequence change replaces arginine, which is basic and polar, with glutamine, which is neutral and polar, at codon 64 of the CHMP1A protein (p.Arg64Gln). This variant is present in population databases (rs761001445, gnomAD 0.002%). This variant has not been reported in the literature in individuals affected with CHMP1A-related conditions. ClinVar contains an entry for this variant (Variation ID: 2988885). An algorithm developed to predict the effect of missense changes on protein structure and function (PolyPhen-2) suggests that this variant is likely to be disruptive. In summary, the available evidence is currently insufficient to determine the role of this variant in disease. Therefore, it has been classified as a Variant of Uncertain Significance.